The following is an entry in ClinVar:

ClinVar aggregate classification (germline): Uncertain significance (1 of 4 stars; one submission).

Allele frequency attached by ClinVar (database versions not stated): gnomAD 0.00001; TOPMed 0.00001.
gnomAD v4.1: 14 of 1,612,568 alleles (0.00087%); highest among the groups gnomAD compares: East Asian, 0.0089%; no homozygotes.

Submission:

Labcorp Genetics (formerly Invitae), Labcorp
Classification: Uncertain significance. Last evaluated: 2022-07-05. Review status: criteria provided, single submitter. Criteria: Invitae Variant Classification Sherloc (09022015). Collection method: clinical testing. Allele origin: germline.
Comment: In summary, the available evidence is currently insufficient to determine the role of this variant in disease. Therefore, it has been classified as a Variant of Uncertain Significance. Algorithms developed to predict the effect of missense changes on protein structure and function output the following: SIFT: "Tolerated"; PolyPhen-2: "Benign"; Align-GVGD: "Class C0". The methionine amino acid residue is found in multiple mammalian species, which suggests that this missense change does not adversely affect protein function. This variant has not been reported in the literature in individuals affected with GRM7-related conditions. This variant is present in population databases (no rsID available, gnomAD 0.01%). This sequence change replaces threonine, which is neutral and polar, with methionine, which is neutral and non-polar, at codon 239 of the GRM7 protein (p.Thr239Met).

NM_000844.4(GRM7):c.716C>T (p.Thr239Met)

Gene: GRM7 (glutamate metabotropic receptor 7; plus strand). Cytogenetic location: 3p26.1.
Variant type: single nucleotide variant.
Coding change: c.716C>T on transcript NM_000844.4 (MANE Select); coding-DNA position 716, C replaced by T.
Protein change: p.Thr239Met; replaces threonine 239 with methionine.
Molecular consequence: missense variant.
Genome position (GRCh38, 1-based): chr3:7,146,648, C>T. VCF-style: chr3-7146648-C-T. GRCh37 (hg19) VCF-style: chr3-7188335-C-T.
Other names: c.716C>T, p.Thr239Met (NM_181874.3); short protein forms T239M.
Identifiers: ClinVar variation 2183859 (VCV002183859.4), dbSNP rs1235954876, ClinGen allele CA351797583.